The following is an entry in ClinVar:

Single allele

Genes: FXN (frataxin; plus strand), PIP5K1B (phosphatidylinositol-4-phosphate 5-kinase type 1 beta; plus strand), PRKACG (protein kinase cAMP-activated catalytic subunit gamma; minus strand), TJP2 (tight junction protein 2; plus strand). Cytogenetic location: 9q21.11.
Variant type: Duplication.
Identifiers: ClinVar variation 560069 (VCV000560069.3).

ClinVar aggregate classification (germline): Uncertain significance (1 of 4 stars; one submission).

Submission:

Geisinger Autism and Developmental Medicine Institute, Geisinger Health System
Classification: Uncertain significance. Last evaluated: 2018-04-15. Review status: criteria provided, single submitter. Criteria: ACMG CNV Guidelines, 2011. Collection method: provider interpretation. Allele origin: unknown.